The following is an entry in ClinVar:

GRCh38/hg38 5p15.2(chr5:13846935-14080008)x3

Genes: DNAH5 (dynein axonemal heavy chain 5; minus strand), DNAH5-AS1 (DNAH5 antisense RNA 1; plus strand), LOC126807318 (MED14-independent group 3 enhancer GRCh37_chr5:13858976-13860175; plus strand), LOC126807319 (P300/CBP strongly-dependent group 1 enhancer GRCh37_chr5:14035876-14037075; plus strand), LOC129993686 (ATAC-STARR-seq lymphoblastoid silent region 15932; plus strand). Cytogenetic location: 5p15.2.
Variant type: copy number gain.
Change: copy number 3 (three copies instead of two) of chr5:13,846,935-14,080,008 (233.1 kb, GRCh38 coordinates, 1-based), cytogenetic band 5p15.2.
Identifiers: ClinVar variation 57957 (VCV000057957.1).

ClinVar aggregate classification (germline): Uncertain significance (1 of 4 stars; one submission).

Submission:

ISCA site 14
Classification: Uncertain significance. Last evaluated: 2011-08-12. Review status: criteria provided, single submitter. Criteria: Kaminsky et al. (Genet Med. 2011). Collection method: clinical testing. Allele origin: unknown. Affected: yes. Observed: 1 variant allele.
Comment: Copy number variation identified through the course of routine clinical cytogenomic testing in postnatal populations. Clinical assertions have been curated as described in Kaminsky et al. 2011.